The following is an entry in ClinVar:

NM_000264.5(PTCH1):c.364G>C (p.Glu122Gln)

Gene: PTCH1 (patched 1; minus strand). Cytogenetic location: 9q22.32.
Variant type: single nucleotide variant.
Coding change: c.364G>C on transcript NM_000264.5 (MANE Select); coding-DNA position 364, G replaced by C.
Protein change: p.Glu122Gln; replaces glutamic acid 122 with glutamine.
Molecular consequence: missense variant. On other transcripts: 5 prime UTR variant (4), non-coding transcript variant (1).
Genome position (GRCh38, 1-based): chr9:95,506,437, C>G on the plus strand (G>C on the coding strand, the complement: PTCH1 is on the minus strand). VCF-style: chr9-95506437-C-G. GRCh37 (hg19) VCF-style: chr9-98268719-C-G.
Other names: c.166G>C, p.Glu56Gln (NM_001083602.3, NM_001354919.2); c.361G>C, p.Glu121Gln (NM_001083603.3); c.-90G>C (NM_001083604.3, NM_001083605.3, NM_001083606.3 and 1 more transcripts); c.364G>C, p.Glu122Gln (NM_001354918.2); short protein forms E122Q, E56Q, E121Q.
Identifiers: ClinVar variation 3714095 (VCV003714095.3).

ClinVar aggregate classification (germline): Uncertain significance. Review status: criteria provided, multiple submitters, no conflicts (2 of 4 stars). 2 submissions from 2 submitters: Uncertain significance (2). Last evaluated 2025-09-28.

Conditions:
Gorlin syndrome. Also called: Basal cell nevus syndrome; Nevoid Basal Cell Carcinoma Syndrome. Identifiers: Orphanet 377, MedGen C0004779, MONDO:0007187.
Hereditary cancer-predisposing syndrome. Also called: Neoplastic Syndromes, Hereditary; Hereditary Cancer Syndrome; Hereditary neoplastic syndrome; Tumor predisposition. Identifiers: Orphanet 140162, MedGen C0027672, MeSH D009386, MONDO:0015356.

gnomAD v4.1: 2 of 1,612,242 alleles (0.00012%); highest among the groups gnomAD compares: Non-Finnish European, 0.00017%; no homozygotes.

Submissions (2):

Ambry Genetics
Classification: Uncertain significance for Hereditary cancer-predisposing syndrome. Last evaluated: 2025-09-28. Review status: criteria provided, single submitter. Criteria: Ambry Variant Classification Scheme 2023. Collection method: clinical testing. Allele origin: germline.
Comment: The p.E122Q variant (also known as c.364G>C), located in coding exon 2 of the PTCH1 gene, results from a G to C substitution at nucleotide position 364. The glutamic acid at codon 122 is replaced by glutamine, an amino acid with highly similar properties. This amino acid position is conserved. In addition, this alteration is predicted to be deleterious by in silico analysis. Based on the available evidence, the clinical significance of this variant remains unclear.

Labcorp Genetics (formerly Invitae), Labcorp
Classification: Uncertain significance for Gorlin syndrome. Last evaluated: 2024-06-06. Review status: criteria provided, single submitter. Criteria: Invitae Variant Classification Sherloc (09022015). Collection method: clinical testing. Allele origin: germline.
Comment: This sequence change replaces glutamic acid, which is acidic and polar, with glutamine, which is neutral and polar, at codon 122 of the PTCH1 protein (p.Glu122Gln). This variant is not present in population databases (gnomAD no frequency). This variant has not been reported in the literature in individuals affected with PTCH1-related conditions. Advanced modeling of protein sequence and biophysical properties (such as structural, functional, and spatial information, amino acid conservation, physicochemical variation, residue mobility, and thermodynamic stability) performed at Invitae indicates that this missense variant is not expected to disrupt PTCH1 protein function with a negative predictive value of 95%. In summary, the available evidence is currently insufficient to determine the role of this variant in disease. Therefore, it has been classified as a Variant of Uncertain Significance.